The following is an entry in ClinVar:

ClinVar aggregate classification (germline): Likely pathogenic (1 of 4 stars; one submission).

Conditions:
Congenital myasthenic syndrome 12 (CMS12). Also called: Myasthenia, congenital, 12, with tubular aggregates; MYASTHENIC SYNDROME, CONGENITAL, WITH TUBULAR AGGREGATES 1. Identifiers: Orphanet 353327, Orphanet 590, MedGen C3552335, MONDO:0012518, OMIM 610542.

Submission:

Diagnostics Services (NGS), CSIR - Centre For Cellular And Molecular Biology
Classification: Likely pathogenic for Congenital myasthenic syndrome 12. Last evaluated: 2024-08-23. Review status: criteria provided, single submitter. Criteria: ACMG Guidelines, 2015. Collection method: clinical testing. Allele origin: unknown. Affected: no. Observed: 2 variant alleles, 1 heterozygote.
Comment: The c.854_855del variant is not present in publicly available population databases like 1000 Genomes, EVS, ExAC, gnomAD Indian Exome Database or our in-house exome database. This variant has neither been published in literature with GFPT1-related conditions nor reported to the clinical databases like Human Genome Mutation Database (HGMD), ClinVar or OMIM, in any affected individuals. In-silico pathogenicity prediction programs like MutationTaster2, CADD, Varsome, Franklin etc predicted this variant to be likely deleterious. This variant causes frameshift at the 285th amino acid position of the wild-type transcript which creates a premature translational stop signal at the altered transcript that may result in translation of truncated protein or cause nonsense mediated decay of the mRNA. This variant was identified in a couple as a part of carrier screening.

NM_001244710.2(GFPT1):c.854_855del (p.Ile285fs)

Gene: GFPT1 (glutamine--fructose-6-phosphate transaminase 1; minus strand). Cytogenetic location: 2p13.3.
Variant type: Deletion.
Coding change: c.854_855del on transcript NM_001244710.2 (MANE Select); coding-DNA positions 854 to 855, 2 bases deleted (TA; older notation c.854_855delTA).
Protein change: p.Ile285fs; shifts the reading frame from isoleucine 285.
Molecular consequence: frameshift variant.
Genome position (GRCh38, 1-based): chr2:69,348,325-69,348,326, TA deleted on the plus strand (TA on the coding strand, the reverse complement: GFPT1 is on the minus strand); deleting any 2 consecutive bases within chr2:69,348,325-69,348,327 gives the same sequence; the c. name uses the placement nearest the transcript's 3' end. VCF-style (leftmost placement, unchanged base first): chr2-69348324-CTA-C. GRCh37 (hg19) VCF-style: chr2-69575456-CTA-C.
Other names: c.800_801del, p.Ile267fs (NM_002056.4); short protein forms I267fs, I285fs.
Identifiers: ClinVar variation 3340509 (VCV003340509.1).